The following is an entry in ClinVar:

NM_003136.4(SRP54):c.621A>C (p.Gln207His)

Gene: SRP54 (signal recognition particle 54; plus strand). Cytogenetic location: 14q13.2.
Variant type: single nucleotide variant.
Coding change: c.621A>C on transcript NM_003136.4 (MANE Select); coding-DNA position 621, A replaced by C.
Protein change: p.Gln207His; replaces glutamine 207 with histidine.
Molecular consequence: missense variant.
Genome position (GRCh38, 1-based): chr14:35,011,644, A>C. VCF-style: chr14-35011644-A-C. GRCh37 (hg19) VCF-style: chr14-35480850-A-C.
Other names: c.474A>C, p.Gln158His (NM_001146282.2); c.621A>C, p.Gln207His (NM_001411017.1); short protein forms Q158H, Q207H.
Identifiers: ClinVar variation 1714028 (VCV001714028.5), dbSNP rs2502755124, ClinGen allele CA389441761.

ClinVar aggregate classification (germline): Uncertain significance (1 of 4 stars; one submission).

Submission:

Labcorp Genetics (formerly Invitae), Labcorp
Classification: Uncertain significance. Last evaluated: 2022-07-15. Review status: criteria provided, single submitter. Criteria: Invitae Variant Classification Sherloc (09022015). Collection method: clinical testing. Allele origin: germline.
Comment: Algorithms developed to predict the effect of missense changes on protein structure and function are either unavailable or do not agree on the potential impact of this missense change (SIFT: "Deleterious"; PolyPhen-2: "Probably Damaging"; Align-GVGD: "Class C0"). This sequence change replaces glutamine, which is neutral and polar, with histidine, which is basic and polar, at codon 207 of the SRP54 protein (p.Gln207His). This variant is not present in population databases (gnomAD no frequency). This variant has not been reported in the literature in individuals affected with SRP54-related conditions. In summary, the available evidence is currently insufficient to determine the role of this variant in disease. Therefore, it has been classified as a Variant of Uncertain Significance.